The following is an entry in ClinVar:

NM_000089.4(COL1A2):c.310G>A (p.Ala104Thr)

Gene: COL1A2 (collagen type I alpha 2 chain; plus strand). Cytogenetic location: 7q21.3.
Variant type: single nucleotide variant.
Coding change: c.310G>A on transcript NM_000089.4 (MANE Select); coding-DNA position 310, G replaced by A.
Protein change: p.Ala104Thr; replaces alanine 104 with threonine.
Molecular consequence: missense variant.
Genome position (GRCh38, 1-based): chr7:94,404,586, G>A. VCF-style: chr7-94404586-G-A. GRCh37 (hg19) VCF-style: chr7-94033898-G-A.
Other names: short protein forms A104T.
Identifiers: ClinVar variation 432429 (VCV000432429.6), dbSNP rs368044698, ClinGen allele CA4346620.
Genomic context (GRCh38, chr7:94,404,586, plus strand): 5'-TAACTGTTGATATATCTGCTTTCTTTACAGGGCTTAATGGGACCTAGAGGCCCACCTGGT[G>A]CAGCTGGAGCCCCAGTAAGTACTGAAAGCTTGTAATGCCTCTTATGTAAAAAGACAGAGA-3'
Protein context (NP_000080.2, residues 94-114): GLMGPRGPPG[Ala104Thr]AGAPGPQGFQ

ClinVar aggregate classification (germline): Uncertain significance. Review status: criteria provided, multiple submitters, no conflicts (2 of 4 stars). 4 submissions from 4 submitters: Uncertain significance (4). Last evaluated 2024-07-17.

Conditions:
Ehlers-Danlos syndrome, classic type, 1 (EDSCL1). Also called: EDS I; EHLERS-DANLOS SYNDROME, GRAVIS TYPE; EHLERS-DANLOS SYNDROME, SEVERE CLASSIC TYPE; Ehlers-Danlos syndrome, type 1; Ehlers-Danlos Syndrome, Classic Type, COL5A1-Related. Identifiers: MedGen C0268335, MONDO:0019567, OMIM 130000.
Osteogenesis imperfecta type I (OI1). Also called: OI, TYPE I; OSTEOGENESIS IMPERFECTA TARDA; OSTEOGENESIS IMPERFECTA WITH BLUE SCLERAE; Osteogenesis imperfecta type 1; Classic Non-deforming Osteogenesis Imperfecta with Blue Sclerae; Lobstein's Disease. Identifiers: Orphanet 216796, Orphanet 666, MedGen C0023931, MONDO:0008146, OMIM 166200. Disease mechanism: loss of function.
Cardiovascular phenotype. Identifiers: MedGen CN230736.

Allele frequency attached by ClinVar (database versions not stated): TOPMed below 0.00001; gnomAD 0.00001; gnomAD exomes 0.00001; ExAC 0.00002; ESP Exome Variant Server 0.00008.
gnomAD v4.1: 18 of 1,613,732 alleles (0.0011%); highest among the groups gnomAD compares: Non-Finnish European, 0.0014%; no homozygotes.

Submissions (4):

Labcorp Genetics (formerly Invitae), Labcorp
Classification: Uncertain significance for Osteogenesis imperfecta type I; Ehlers-Danlos syndrome, classic type, 1. Last evaluated: 2024-07-17. Review status: criteria provided, single submitter. Criteria: Invitae Variant Classification Sherloc (09022015). Collection method: clinical testing. Allele origin: germline.
Comment: This sequence change replaces alanine, which is neutral and non-polar, with threonine, which is neutral and polar, at codon 104 of the COL1A2 protein (p.Ala104Thr). This variant is present in population databases (rs368044698, gnomAD 0.002%). This variant has not been reported in the literature in individuals affected with COL1A2-related conditions. ClinVar contains an entry for this variant (Variation ID: 432429). Advanced modeling of protein sequence and biophysical properties (such as structural, functional, and spatial information, amino acid conservation, physicochemical variation, residue mobility, and thermodynamic stability) performed at Invitae indicates that this missense variant is not expected to disrupt COL1A2 protein function with a negative predictive value of 95%. In summary, the available evidence is currently insufficient to determine the role of this variant in disease. Therefore, it has been classified as a Variant of Uncertain Significance.

Ambry Genetics
Classification: Uncertain significance for Cardiovascular phenotype. Last evaluated: 2024-05-23. Review status: criteria provided, single submitter. Criteria: Ambry Variant Classification Scheme 2023. Collection method: clinical testing. Allele origin: germline.
Comment: The p.A104T variant (also known as c.310G>A), located in coding exon 7 of the COL1A2 gene, results from a G to A substitution at nucleotide position 310. The alanine at codon 104 is replaced by threonine, an amino acid with similar properties. This amino acid position is not well conserved in available vertebrate species. In addition, the in silico prediction for this alteration is inconclusive. Based on the available evidence, the clinical significance of this variant remains unclear.

Blueprint Genetics
Classification: Uncertain significance. Last evaluated: 2023-05-08. Review status: criteria provided, single submitter. Criteria: ACMG Guidelines, 2015. Collection method: clinical testing. Allele origin: germline.

GeneDx
Classification: Uncertain significance. Last evaluated: 2018-06-24. Review status: criteria provided, single submitter. Criteria: GeneDx Variant Classification (06012015). Collection method: clinical testing. Allele origin: germline. Affected: yes.
Comment: A variant of uncertain significance has been identified in the COL1A2 gene. The A104T variant has not been published as pathogenic or been reported as benign to our knowledge. This variant is also not observed at a significant frequency in large population cohorts (Lek et al., 2016; 1000 Genomes Consortium et al., 2015; Exome Variant Server). The A104T variant is a non-conservative amino acid substitution, which is likely to impact secondary protein structure as these residues differ in polarity, charge, size and/or other properties. Additionally, this substitution occurs at a position that is conserved in mammals. Nevertheless, in silico analysis is inconsistent in its predictions as to whether or not the variant is damaging to the protein structure/function.